The following is an entry in ClinVar:

NM_152618.3(BBS12):c.1951G>A (p.Asp651Asn)

Gene: BBS12 (Bardet-Biedl syndrome 12; plus strand). Cytogenetic location: 4q27.
Variant type: single nucleotide variant.
Coding change: c.1951G>A on transcript NM_152618.3 (MANE Select); coding-DNA position 1951, G replaced by A.
Protein change: p.Asp651Asn; replaces aspartic acid 651 with asparagine.
Molecular consequence: missense variant.
Genome position (GRCh38, 1-based): chr4:122,743,843, G>A. VCF-style: chr4-122743843-G-A. GRCh37 (hg19) VCF-style: chr4-123664998-G-A.
Other names: c.1951G>A, p.Asp651Asn (NM_001178007.2); c.1951G>A (NM_152618.2); short protein forms D651N.
Identifiers: ClinVar variation 1903340 (VCV001903340.3), dbSNP rs1277602208, ClinGen allele CA358226236.

ClinVar aggregate classification (germline): Uncertain significance. Review status: criteria provided, multiple submitters, no conflicts (2 of 4 stars). 2 submissions from 2 submitters: Uncertain significance (2). Last evaluated 2025-12-08.

Conditions:
Bardet-Biedl syndrome (BBS). Identifiers: Orphanet 110, MedGen C0752166, MONDO:0015229.
BBS12-related disorder. Also called: BBS12-related condition.

Allele frequency attached by ClinVar (database versions not stated): gnomAD exomes 0.00001; TOPMed 0.00001.
gnomAD v4.1: 6 of 1,605,804 alleles (0.00037%); highest among the groups gnomAD compares: Non-Finnish European, 0.00051%; no homozygotes.

Submissions (2):

PreventionGenetics, part of Exact Sciences
Classification: Uncertain significance for BBS12-related condition. Last evaluated: 2025-12-08. Review status: criteria provided, single submitter. Criteria: ACMG Guidelines, 2015. Collection method: clinical testing. Allele origin: germline.
Comment: The BBS12 c.1951G>A variant is predicted to result in the amino acid substitution p.Asp651Asn. To our knowledge, this variant has not been reported in the literature. This variant is reported in 0.00090% of alleles in individuals of European (non-Finnish) descent in gnomAD. At this time, the clinical significance of this variant is uncertain due to the absence of conclusive functional and genetic evidence.

Labcorp Genetics (formerly Invitae), Labcorp
Classification: Uncertain significance for Bardet-Biedl syndrome. Last evaluated: 2021-09-24. Review status: criteria provided, single submitter. Criteria: Invitae Variant Classification Sherloc (09022015). Collection method: clinical testing. Allele origin: germline.
Comment: This sequence change replaces aspartic acid with asparagine at codon 651 of the BBS12 protein (p.Asp651Asn). The aspartic acid residue is weakly conserved and there is a small physicochemical difference between aspartic acid and asparagine. This variant is not present in population databases (ExAC no frequency). This variant has not been reported in the literature in individuals with BBS12-related conditions. Algorithms developed to predict the effect of missense changes on protein structure and function (SIFT, PolyPhen-2, Align-GVGD) all suggest that this variant is likely to be tolerated, but these predictions have not been confirmed by published functional studies and their clinical significance is uncertain. In summary, the available evidence is currently insufficient to determine the role of this variant in disease. Therefore, it has been classified as a Variant of Uncertain Significance.